The following is an entry in ClinVar:

ClinVar aggregate classification (germline): Uncertain significance. Review status: criteria provided, multiple submitters, no conflicts (2 of 4 stars). 2 submissions from 2 submitters: Uncertain significance (2). Last evaluated 2023-03-02.

Allele frequency attached by ClinVar (database versions not stated): gnomAD exomes below 0.00001; ExAC 0.00001.

Submissions (2):

GeneDx
Classification: Uncertain significance. Last evaluated: 2023-03-02. Review status: criteria provided, single submitter. Criteria: GeneDx Variant Classification Process June 2021. Collection method: clinical testing. Allele origin: germline. Affected: yes.
Comment: In silico analysis supports that this missense variant has a deleterious effect on protein structure/function; Has not been previously published as pathogenic or benign to our knowledge

Labcorp Genetics (formerly Invitae), Labcorp
Classification: Uncertain significance. Last evaluated: 2021-04-11. Review status: criteria provided, single submitter. Criteria: Invitae Variant Classification Sherloc (09022015). Collection method: clinical testing. Allele origin: germline.
Comment: In summary, the available evidence is currently insufficient to determine the role of this variant in disease. Therefore, it has been classified as a Variant of Uncertain Significance. Algorithms developed to predict the effect of missense changes on protein structure and function are either unavailable or do not agree on the potential impact of this missense change (SIFT: "Deleterious"; PolyPhen-2: "Not Available"; Align-GVGD: "Class C0"). This variant has not been reported in the literature in individuals with CYFIP2-related conditions. This variant is present in population databases (rs769152996, ExAC 0.009%). This sequence change replaces tyrosine with cysteine at codon 188 of the CYFIP2 protein (p.Tyr188Cys). The tyrosine residue is highly conserved and there is a large physicochemical difference between tyrosine and cysteine.

NM_001037333.3(CYFIP2):c.563A>G (p.Tyr188Cys)

Gene: CYFIP2 (cytoplasmic FMR1 interacting protein 2; plus strand). Cytogenetic location: 5q33.3.
Variant type: single nucleotide variant.
Coding change: c.563A>G on transcript NM_001037333.3 (MANE Select); coding-DNA position 563, A replaced by G.
Protein change: p.Tyr188Cys; replaces tyrosine 188 with cysteine.
Molecular consequence: missense variant.
Genome position (GRCh38, 1-based): chr5:157,300,890, A>G. VCF-style: chr5-157300890-A-G. GRCh37 (hg19) VCF-style: chr5-156727898-A-G.
Other names: c.563A>G (NM_001037333.2); c.485A>G, p.Tyr162Cys (NM_001291721.2); c.563A>G, p.Tyr188Cys (NM_001291722.2, NM_014376.4); short protein forms Y188C, Y162C.
Identifiers: ClinVar variation 1386893 (VCV001386893.8), dbSNP rs769152996, ClinGen allele CA3533376.